The following is an entry in ClinVar:

NM_000891.3(KCNJ2):c.1015G>C (p.Val339Leu)

Gene: KCNJ2 (potassium inwardly rectifying channel subfamily J member 2; plus strand). Cytogenetic location: 17q24.3.
Variant type: single nucleotide variant.
Coding change: c.1015G>C on transcript NM_000891.3 (MANE Select); coding-DNA position 1015, G replaced by C.
Protein change: p.Val339Leu; replaces valine 339 with leucine.
Molecular consequence: missense variant.
Genome position (GRCh38, 1-based): chr17:70,176,054, G>C. VCF-style: chr17-70176054-G-C. GRCh37 (hg19) VCF-style: chr17-68172195-G-C.
Other names: short protein forms V339L.
Identifiers: ClinVar variation 2949299 (VCV002949299.3), dbSNP rs2509921628, ClinGen allele CA400863106.

ClinVar aggregate classification (germline): Uncertain significance (1 of 4 stars; one submission).

Conditions:
Andersen Tawil syndrome (LQT7). Also called: ANDERSEN CARDIODYSRHYTHMIC PERIODIC PARALYSIS; LONG QT SYNDROME 7; PERIODIC PARALYSIS, POTASSIUM-SENSITIVE CARDIODYSRHYTHMIC TYPE; Andersen Syndrome; Potassium-sensitive periodic paralysis, ventricular ectopy, and dysmorphic features. Identifiers: Orphanet 37553, MedGen C1563715, MONDO:0008222, OMIM 170390.
Short QT syndrome type 3. Identifiers: Orphanet 51083, MedGen C1865018, MONDO:0012314, OMIM 609622.

Submission:

Labcorp Genetics (formerly Invitae), Labcorp
Classification: Uncertain significance for Short QT syndrome type 3; Andersen Tawil syndrome. Last evaluated: 2023-06-25. Review status: criteria provided, single submitter. Criteria: Invitae Variant Classification Sherloc (09022015). Collection method: clinical testing. Allele origin: germline.
Comment: In summary, the available evidence is currently insufficient to determine the role of this variant in disease. Therefore, it has been classified as a Variant of Uncertain Significance. Advanced modeling of protein sequence and biophysical properties (such as structural, functional, and spatial information, amino acid conservation, physicochemical variation, residue mobility, and thermodynamic stability) performed at Invitae indicates that this missense variant is not expected to disrupt KCNJ2 protein function. This variant has not been reported in the literature in individuals affected with KCNJ2-related conditions. This variant is not present in population databases (gnomAD no frequency). This sequence change replaces valine, which is neutral and non-polar, with leucine, which is neutral and non-polar, at codon 339 of the KCNJ2 protein (p.Val339Leu).